The following is an entry in ClinVar:

ClinVar aggregate classification (germline): Conflicting classifications of pathogenicity. Review status: criteria provided, conflicting classifications (1 of 4 stars). 3 submissions from 3 submitters: Uncertain significance (2); Benign (1). Last evaluated 2024-09-25.

Conditions:
Juvenile polyposis syndrome (JPS). Identifiers: Orphanet 2929, MedGen C0345893, MONDO:0017380, OMIM 174900.
Hereditary cancer-predisposing syndrome. Also called: Tumor predisposition; Hereditary Cancer Syndrome; Hereditary neoplastic syndrome; Neoplastic Syndromes, Hereditary. Identifiers: Orphanet 140162, MedGen C0027672, MeSH D009386, MONDO:0015356.

Allele frequency attached by ClinVar (database versions not stated): gnomAD exomes below 0.00001; TOPMed below 0.00001.
gnomAD v4.1: 2 of 1,613,212 alleles (0.00012%); highest among the groups gnomAD compares: Admixed American, 0.0017%; no homozygotes.

Submissions (3):

Myriad Genetics, Inc.
Classification: Benign for Juvenile polyposis syndrome. Last evaluated: 2024-09-25. Review status: criteria provided, single submitter. Criteria: Myriad Autosomal Dominant, Autosomal Recessive and X-Linked Classification Criteria (2023). Collection method: clinical testing. Allele origin: unknown.
Comment: This variant is considered benign. This variant occurs in the non-coding 3' untranslated region of the gene, and is not expected to impact protein function.

All of Us Research Program, National Institutes of Health
Classification: Uncertain significance for Juvenile polyposis syndrome. Last evaluated: 2023-07-19. Review status: criteria provided, single submitter. Criteria: ACMG Guidelines, 2015. Collection method: clinical testing. Allele origin: germline. Inheritance: Autosomal dominant inheritance. Observed: 1 variant allele, 1 heterozygote.
Comment: This variant is located in the 3' untranslated region of the BMPR1A gene. To our knowledge, functional studies have not been reported for this variant. This variant has not been reported in individuals affected with BMPR1A-related disorders in the literature. This variant has been identified in 1/250744 chromosomes in the general population by the Genome Aggregation Database (gnomAD). The available evidence is insufficient to determine the role of this variant in disease conclusively. Therefore, this variant is classified as a Variant of Uncertain Significance.

This study involves interpretation of variants in research participants for the purpose of population health screening. Participant phenotype was not available at the time of variant classification. Additional details can be found in publication PMID: 35346344, PMCID: PMC8962531

Ambry Genetics
Classification: Uncertain significance for Hereditary cancer-predisposing syndrome. Last evaluated: 2015-09-05. Review status: criteria provided, single submitter. Criteria: Ambry Variant Classification Scheme 2023. Collection method: clinical testing. Allele origin: germline.
Comment: The c.*2G>A variant is located in the 3' untranslated region (3&rsquo; UTR) of the BMPR1A gene. This variant results from a G to A substitution 2 nucleotides after the stop codon. This variant was not reported in population based cohorts in the following databases: Database of Single Nucleotide Polymorphisms (dbSNP), NHLBI Exome Sequencing Project (ESP), and 1000 Genomes Project. In the ESP, this variant was not observed in 6500 samples (13000 alleles) with coverage at this position. To date, this alteration has been detected with an allele frequency of approximately 0.003% (greater than 65000 alleles tested) in our clinical cohort. This nucleotide position is poorly conserved in available vertebrate species. Since supporting evidence is limited at this time, the clinical significance of c.*2G>A remains unclear.

NM_004329.3(BMPR1A):c.*2G>A

Gene: BMPR1A (bone morphogenetic protein receptor type 1A; plus strand). Cytogenetic location: 10q23.2.
Variant type: single nucleotide variant.
Coding change: c.*2G>A on transcript NM_004329.3 (MANE Select); 2 bases downstream of the stop codon, G replaced by A.
Molecular consequence: 3 prime UTR variant.
Genome position (GRCh38, 1-based): chr10:86,923,721, G>A. VCF-style: chr10-86923721-G-A. GRCh37 (hg19) VCF-style: chr10-88683478-G-A.
Identifiers: ClinVar variation 233754 (VCV000233754.7), dbSNP rs876660618, ClinGen allele CA10578902.